The following is an entry in ClinVar:

ClinVar aggregate classification (germline): Uncertain significance (1 of 4 stars; one submission).

Submission:

GeneDx
Classification: Uncertain significance. Last evaluated: 2026-03-11. Review status: criteria provided, single submitter. Criteria: GeneDx Variant Classification Process June 2021. Collection method: clinical testing. Allele origin: germline.
Comment: Not observed at significant frequency in large population cohorts (gnomAD); In silico analysis supports that this missense variant has a deleterious effect on protein structure/function; Has not been previously published as pathogenic or benign to our knowledge

NM_001046.3(SLC12A2):c.2128T>C (p.Tyr710His)

Gene: SLC12A2 (solute carrier family 12 member 2; plus strand). Cytogenetic location: 5q23.3.
Variant type: single nucleotide variant.
Coding change: c.2128T>C on transcript NM_001046.3 (MANE Select); coding-DNA position 2128, T replaced by C.
Protein change: p.Tyr710His; replaces tyrosine 710 with histidine.
Molecular consequence: missense variant. On other transcripts: non-coding transcript variant (1).
Genome position (GRCh38, 1-based): chr5:128,151,261, T>C. VCF-style: chr5-128151261-T-C. GRCh37 (hg19) VCF-style: chr5-127486953-T-C.
Other names: c.2128T>C, p.Tyr710His (NM_001256461.2); short protein forms Y710H.
Identifiers: ClinVar variation 5008934 (VCV005008934.1).
Genomic context (GRCh38, chr5:128,151,261, plus strand): 5'-TGAGGTATTTGTGTGACTTTTATTTATTTGTTATTGTTAGGATGGCGTCCTGCATTCAAA[T>C]ACTACAACATGTGGATATCACTTCTTGGAGCAATTCTTTGTTGCATAGTAATGTTCGTCA-3'
Protein context (NP_001037.1, residues 700-720): KSPGWRPAFK[Tyr710His]YNMWISLLGA